The following is an entry in ClinVar:

NM_024675.4(PALB2):c.1814C>T (p.Ser605Phe)

Gene: PALB2 (partner and localizer of BRCA2; minus strand). Cytogenetic location: 16p12.2.
Variant type: single nucleotide variant.
Coding change: c.1814C>T on transcript NM_024675.4 (MANE Select); coding-DNA position 1814, C replaced by T.
Protein change: p.Ser605Phe; replaces serine 605 with phenylalanine.
Molecular consequence: missense variant.
Genome position (GRCh38, 1-based): chr16:23,630,340, G>A on the plus strand (C>T on the coding strand, the complement: PALB2 is on the minus strand). VCF-style: chr16-23630340-G-A. GRCh37 (hg19) VCF-style: chr16-23641661-G-A.
Other names: short protein forms S605F.
Identifiers: ClinVar variation 231162 (VCV000231162.15), dbSNP rs876658992, ClinGen allele CA10579996.

ClinVar aggregate classification (germline): Uncertain significance. Review status: criteria provided, multiple submitters, no conflicts (2 of 4 stars). 3 submissions from 3 submitters: Uncertain significance (3). Last evaluated 2025-07-16.

Conditions:
Hereditary cancer-predisposing syndrome. Also called: Neoplastic Syndromes, Hereditary; Tumor predisposition; Hereditary Cancer Syndrome; Hereditary neoplastic syndrome. Identifiers: Orphanet 140162, MedGen C0027672, MeSH D009386, MONDO:0015356.
Familial cancer of breast. Also called: BREAST CANCER, FAMILIAL; hereditary breast carcinoma; Hereditary breast cancer. Identifiers: Orphanet 227535, MedGen C0346153, MONDO:0016419, OMIM 114480. Disease mechanism: loss of function.

Allele frequency attached by ClinVar (database versions not stated): TOPMed below 0.00001; gnomAD 0.00001.

Submissions (3):

Ambry Genetics
Classification: Uncertain significance for Hereditary cancer-predisposing syndrome. Last evaluated: 2025-07-16. Review status: criteria provided, single submitter. Criteria: Ambry Variant Classification Scheme 2023. Collection method: clinical testing. Allele origin: germline.
Comment: The p.S605F variant (also known as c.1814C>T), located in coding exon 5 of the PALB2 gene, results from a C to T substitution at nucleotide position 1814. The serine at codon 605 is replaced by phenylalanine, an amino acid with highly dissimilar properties. This amino acid position is well conserved in available vertebrate species. In addition, this alteration is predicted to be tolerated by in silico analysis. Since supporting evidence is limited at this time, the clinical significance of this alteration remains unclear.

GeneDx
Classification: Uncertain significance. Last evaluated: 2023-10-19. Review status: criteria provided, single submitter. Criteria: GeneDx Variant Classification Process June 2021. Collection method: clinical testing. Allele origin: germline. Affected: yes.
Comment: Not observed at significant frequency in large population cohorts (gnomAD); In silico analysis supports that this missense variant has a deleterious effect on protein structure/function; Has not been previously published as pathogenic or benign to our knowledge

Labcorp Genetics (formerly Invitae), Labcorp
Classification: Uncertain significance for Familial cancer of breast. Last evaluated: 2023-05-15. Review status: criteria provided, single submitter. Criteria: Invitae Variant Classification Sherloc (09022015). Collection method: clinical testing. Allele origin: germline.
Comment: This sequence change replaces serine, which is neutral and polar, with phenylalanine, which is neutral and non-polar, at codon 605 of the PALB2 protein (p.Ser605Phe). In summary, the available evidence is currently insufficient to determine the role of this variant in disease. Therefore, it has been classified as a Variant of Uncertain Significance. Advanced modeling of protein sequence and biophysical properties (such as structural, functional, and spatial information, amino acid conservation, physicochemical variation, residue mobility, and thermodynamic stability) performed at Invitae indicates that this missense variant is expected to disrupt PALB2 protein function. ClinVar contains an entry for this variant (Variation ID: 231162). This variant has not been reported in the literature in individuals affected with PALB2-related conditions. This variant is not present in population databases (gnomAD no frequency).